The following is an entry in ClinVar:

ClinVar aggregate classification (germline): Pathogenic (1 of 4 stars; one submission).

Conditions:
Primary ciliary dyskinesia 3. Identifiers: Orphanet 244, MedGen C1837618, MONDO:0012085, OMIM 608644.

Submission:

Myriad Genetics, Inc.
Classification: Pathogenic for Primary ciliary dyskinesia 3. Last evaluated: 2024-05-14. Review status: criteria provided, single submitter. Criteria: Myriad Autosomal Dominant, Autosomal Recessive and X-Linked Classification Criteria (2023). Collection method: clinical testing. Allele origin: unknown.
Comment: NM_001369.2(DNAH5):c.1501_1503del3ins7(I501Lfs*11) is expected to be pathogenic in the context of primary ciliary dyskinesia, DNAH5-related. This variant is predicted to lead to an abnormal or absent protein product due to the creation of a premature termination codon in DNAH5, a gene where loss-of-function variants are known to be pathogenic. Please note: this variant was assessed in the context of healthy population screening.

NM_001369.3(DNAH5):c.1501_1503delinsCTTACAC (p.Ile501fs)

Gene: DNAH5 (dynein axonemal heavy chain 5; minus strand). Cytogenetic location: 5p15.2.
Variant type: Indel.
Coding change: c.1501_1503delinsCTTACAC on transcript NM_001369.3 (MANE Select); coding-DNA positions 1501 to 1503, ATT replaced by CTTACAC.
Protein change: p.Ile501fs; shifts the reading frame from isoleucine 501.
Molecular consequence: frameshift variant.
Genome position (GRCh38, 1-based): chr5:13,913,776-13,913,778, AAT replaced by GTGTAAG on the plus strand (ATT replaced by CTTACAC on the coding strand, the reverse complement: DNAH5 is on the minus strand). VCF-style: chr5-13913776-AAT-GTGTAAG. GRCh37 (hg19) VCF-style: chr5-13913885-AAT-GTGTAAG.
Other names: short protein forms I501fs.
Identifiers: ClinVar variation 5011143 (VCV005011143.1).